The following is an entry in ClinVar:

ClinVar aggregate classification (germline): Uncertain significance. Review status: criteria provided, multiple submitters, no conflicts (2 of 4 stars). 3 submissions from 3 submitters: Uncertain significance (3). Last evaluated 2024-01-31.

Conditions:
Charcot-Marie-Tooth disease type 2. Also called: Charcot-Marie-Tooth type 2. Identifiers: Orphanet 64746, MedGen C0270914, MONDO:0018993.

Allele frequency attached by ClinVar (database versions not stated): gnomAD exomes below 0.00001 and 0.00001; gnomAD 0.00002; ExAC 0.00001; TOPMed 0.00002.
gnomAD v4.1: 6 of 1,613,922 alleles (0.00037%); highest among the groups gnomAD compares: African/African-American, 0.0053%; no homozygotes.

Submissions (3):

Ambry Genetics
Classification: Uncertain significance. Last evaluated: 2024-01-31. Review status: criteria provided, single submitter. Criteria: Ambry Variant Classification Scheme 2023. Collection method: clinical testing. Allele origin: germline.
Comment: The p.K1263E variant (also known as c.3787A>G), located in coding exon 34 of the KIF1B gene, results from an A to G substitution at nucleotide position 3787. The lysine at codon 1263 is replaced by glutamic acid, an amino acid with similar properties. This amino acid position is conserved. In addition, this alteration is predicted to be deleterious by in silico analysis. Since supporting evidence is limited at this time, the clinical significance of this alteration remains unclear.

Labcorp Genetics (formerly Invitae), Labcorp
Classification: Uncertain significance for Charcot-Marie-Tooth disease type 2. Last evaluated: 2019-12-03. Review status: criteria provided, single submitter. Criteria: Invitae Variant Classification Sherloc (09022015). Collection method: clinical testing. Allele origin: germline.
Comment: In summary, the available evidence is currently insufficient to determine the role of this variant in disease. Therefore, it has been classified as a Variant of Uncertain Significance. Algorithms developed to predict the effect of missense changes on protein structure and function are either unavailable or do not agree on the potential impact of this missense change (SIFT: "Tolerated"; PolyPhen-2: "Probably Damaging"; Align-GVGD: "Class C0"). This variant has not been reported in the literature in individuals with KIF1B-related conditions. ClinVar contains an entry for this variant (Variation ID: 196959). This variant is present in population databases (rs772177176, ExAC 0.01%). This sequence change replaces lysine with glutamic acid at codon 1263 of the KIF1B protein (p.Lys1263Glu). The lysine residue is highly conserved and there is a small physicochemical difference between lysine and glutamic acid.

Eurofins Ntd Llc (ga)
Classification: Uncertain significance. Last evaluated: 2015-03-02. Review status: criteria provided, single submitter. Criteria: EGL Classification Definitions 2015. Collection method: clinical testing. Allele origin: germline. Observed: 1 variant allele, 1 heterozygote.

NM_001365951.3(KIF1B):c.3925A>G (p.Lys1309Glu)

Gene: KIF1B (kinesin family member 1B; plus strand). Cytogenetic location: 1p36.22.
Variant type: single nucleotide variant.
Coding change: c.3925A>G on transcript NM_001365951.3 (MANE Select); coding-DNA position 3925, A replaced by G.
Protein change: p.Lys1309Glu; replaces lysine 1309 with glutamic acid.
Molecular consequence: missense variant.
Genome position (GRCh38, 1-based): chr1:10,348,709, A>G. VCF-style: chr1-10348709-A-G. GRCh37 (hg19) VCF-style: chr1-10408767-A-G.
Other names: c.3925A>G, p.Lys1309Glu (NM_001365952.1); c.3787A>G, p.Lys1263Glu (NM_015074.3); short protein forms K1263E, K1309E.
Identifiers: ClinVar variation 196959 (VCV000196959.16), dbSNP rs772177176, ClinGen allele CA244803.